The following is an entry in ClinVar:

NM_152415.3(VPS37A):c.685G>T (p.Asp229Tyr)

Gene: VPS37A (VPS37A subunit of ESCRT-I; plus strand). Cytogenetic location: 8p22.
Variant type: single nucleotide variant.
Coding change: c.685G>T on transcript NM_152415.3 (MANE Select); coding-DNA position 685, G replaced by T.
Protein change: p.Asp229Tyr; replaces aspartic acid 229 with tyrosine.
Molecular consequence: missense variant.
Genome position (GRCh38, 1-based): chr8:17,276,439, G>T. VCF-style: chr8-17276439-G-T. GRCh37 (hg19) VCF-style: chr8-17133948-G-T.
Other names: c.610G>T, p.Asp204Tyr (NM_001145152.2); c.685G>T, p.Asp229Tyr (NM_001363167.1, NM_001363173.2); c.415G>T, p.Asp139Tyr (NM_001363168.1, NM_001363169.1, NM_001363170.1 and 2 more transcripts); short protein forms D139Y, D204Y, D229Y.
Identifiers: ClinVar variation 2413407 (VCV002413407.6), dbSNP rs373011424, ClinGen allele CA370401981.

ClinVar aggregate classification (germline): Uncertain significance (1 of 4 stars; one submission).

Conditions:
Hereditary spastic paraplegia 53. Also called: Spastic paraplegia 53, autosomal recessive. Identifiers: Orphanet 319199, MedGen C3539494, MONDO:0013962, OMIM 614898.

Allele frequency attached by ClinVar (database versions not stated): gnomAD 0.00001.
gnomAD v4.1: 1 of 1,612,440 alleles (0.000062%); highest among the groups gnomAD compares: Non-Finnish European, 0.000085%; no homozygotes.

Submission:

Labcorp Genetics (formerly Invitae), Labcorp
Classification: Uncertain significance for Hereditary spastic paraplegia 53. Last evaluated: 2022-07-01. Review status: criteria provided, single submitter. Criteria: Invitae Variant Classification Sherloc (09022015). Collection method: clinical testing. Allele origin: germline.
Comment: This sequence change replaces aspartic acid, which is acidic and polar, with tyrosine, which is neutral and polar, at codon 229 of the VPS37A protein (p.Asp229Tyr). In summary, the available evidence is currently insufficient to determine the role of this variant in disease. Therefore, it has been classified as a Variant of Uncertain Significance. Algorithms developed to predict the effect of sequence changes on RNA splicing suggest that this variant may disrupt the consensus splice site. Algorithms developed to predict the effect of missense changes on protein structure and function are either unavailable or do not agree on the potential impact of this missense change (SIFT: "Deleterious"; PolyPhen-2: "Possibly Damaging"; Align-GVGD: "Class C0"). This variant has not been reported in the literature in individuals affected with VPS37A-related conditions. This variant is not present in population databases (gnomAD no frequency).